The following is an entry in ClinVar:

NM_000535.7(PMS2):c.898G>A (p.Ala300Thr)

Gene: PMS2 (PMS1 homolog 2, mismatch repair system component; minus strand). Cytogenetic location: 7p22.1.
Variant type: single nucleotide variant.
Coding change: c.898G>A on transcript NM_000535.7 (MANE Select); coding-DNA position 898, G replaced by A.
Protein change: p.Ala300Thr; replaces alanine 300 with threonine.
Molecular consequence: missense variant. On other transcripts: 5 prime UTR variant (2), non-coding transcript variant (1).
Genome position (GRCh38, 1-based): chr7:5,995,539, C>T on the plus strand (G>A on the coding strand, the complement: PMS2 is on the minus strand). VCF-style: chr7-5995539-C-T. GRCh37 (hg19) VCF-style: chr7-6035170-C-T.
Other names: c.493G>A, p.Ala165Thr (NM_001322003.2, NM_001322004.2, NM_001322005.2 and 2 more transcripts); c.898G>A, p.Ala300Thr (NM_001322006.2, NM_001322014.2); c.580G>A, p.Ala194Thr (NM_001322007.2, NM_001322008.2); c.-36G>A (NM_001322011.2, NM_001322012.2); c.325G>A, p.Ala109Thr (NM_001322013.2); c.589G>A, p.Ala197Thr (NM_001322015.2); short protein forms A194T, A197T, A165T, A109T, A300T.
Identifiers: ClinVar variation 822869 (VCV000822869.4), dbSNP rs771561768, ClinGen allele CA366743406.

ClinVar aggregate classification (germline): Uncertain significance (1 of 4 stars; one submission).

Conditions:
Hereditary cancer-predisposing syndrome. Also called: Tumor predisposition; Hereditary Cancer Syndrome; Neoplastic Syndromes, Hereditary; Hereditary neoplastic syndrome. Identifiers: Orphanet 140162, MedGen C0027672, MeSH D009386, MONDO:0015356.

Submission:

Ambry Genetics
Classification: Uncertain significance for Hereditary cancer-predisposing syndrome. Last evaluated: 2019-02-05. Review status: criteria provided, single submitter. Criteria: Ambry Variant Classification Scheme 2023. Collection method: clinical testing. Allele origin: germline.
Comment: The p.A300T variant (also known as c.898G>A), located in coding exon 8 of the PMS2 gene, results from a G to A substitution at nucleotide position 898. The alanine at codon 300 is replaced by threonine, an amino acid with similar properties. This amino acid position is not well conserved in available vertebrate species. In addition, the in silico prediction for this alteration is inconclusive. Since supporting evidence is limited at this time, the clinical significance of this alteration remains unclear.